The following is an entry in ClinVar:

ClinVar aggregate classification (germline): Uncertain significance (1 of 4 stars; one submission).

Submission:

GeneDx
Classification: Uncertain significance. Last evaluated: 2024-01-25. Review status: criteria provided, single submitter. Criteria: GeneDx Variant Classification Process June 2021. Collection method: clinical testing. Allele origin: germline. Affected: yes.
Comment: Not observed at significant frequency in large population cohorts (gnomAD); In silico analysis supports that this missense variant does not alter protein structure/function; Has not been previously published as pathogenic or benign to our knowledge

NM_015021.3(ZNF292):c.1094C>G (p.Thr365Ser)

Gene: ZNF292 (zinc finger protein 292; plus strand). Cytogenetic location: 6q14.3.
Variant type: single nucleotide variant.
Coding change: c.1094C>G on transcript NM_015021.3 (MANE Select); coding-DNA position 1094, C replaced by G.
Protein change: p.Thr365Ser; replaces threonine 365 with serine.
Molecular consequence: missense variant.
Genome position (GRCh38, 1-based): chr6:87,254,723, C>G. VCF-style: chr6-87254723-C-G. GRCh37 (hg19) VCF-style: chr6-87964441-C-G.
Other names: c.674C>G, p.Thr225Ser (NM_001351444.2); short protein forms T225S, T365S.
Identifiers: ClinVar variation 3368392 (VCV003368392.1).
Genomic context (GRCh38, chr6:87,254,723, plus strand): 5'-GACTTGCTACCTGTATAGAACTGTGTGTAAAGGCTCTTCGCTTGGAGTCTACAGAAAATA[C>G]TGAAGTGAAAATATCTATTTGCAAGACCATTTCATGTTTGTTGCCTGATGATCTGGAAGT-3'
Protein context (NP_055836.1, residues 355-375): KALRLESTEN[Thr365Ser]EVKISICKTI